The following is an entry in ClinVar:

NM_001205293.3(CACNA1E):c.2446T>A (p.Ser816Thr)

Gene: CACNA1E (calcium voltage-gated channel subunit alpha1 E; plus strand). Cytogenetic location: 1q25.3.
Variant type: single nucleotide variant.
Coding change: c.2446T>A on transcript NM_001205293.3 (MANE Select); coding-DNA position 2446, T replaced by A.
Protein change: p.Ser816Thr; replaces serine 816 with threonine.
Molecular consequence: missense variant.
Genome position (GRCh38, 1-based): chr1:181,732,532, T>A. VCF-style: chr1-181732532-T-A. GRCh37 (hg19) VCF-style: chr1-181701668-T-A.
Other names: c.2446T>A, p.Ser816Thr (NM_000721.4); c.2389T>A, p.Ser797Thr (NM_001205294.2); short protein forms S797T, S816T.
Identifiers: ClinVar variation 5020157 (VCV005020157.1).
Genomic context (GRCh38, chr1:181,732,532, plus strand): 5'-GCCCTCAACAGAGAGGAGGCGCCGACCATGAACCCGCTCAACCCCCTCAACCCGCTCAGC[T>A]CCCTCAACCCGCTCAATGCCCACCCCAGCCTTTATCGGCGACCCAGGGCCATTGAGGGCC-3'
Protein context (NP_001192222.1, residues 806-826): NPLNPLNPLS[Ser816Thr]LNPLNAHPSL

ClinVar aggregate classification (germline): Uncertain significance (1 of 4 stars; one submission).

gnomAD v4.1: 1 of 1,550,960 alleles (0.000064%); highest among the groups gnomAD compares: Non-Finnish European, 0.000087%; no homozygotes.

Submission:

Dasa
Classification: Uncertain significance. Last evaluated: 2026-07-22. Review status: criteria provided, single submitter. Criteria: DASA Assertion Criteria. Collection method: clinical testing. Allele origin: germline.
Comment: NM_001205293.3(CACNA1E):c.2446T>A (p.Ser816Thr) is a missense variant that results in the substitution of serine with threonine. This variant is rare in population databases. The currently available literature and clinical evidence are not sufficient to establish a definitive association between this variant and the reported condition. Therefore, this variant is classified as a variant of uncertain significance.